The following is an entry in ClinVar:

ClinVar aggregate classification (germline): Uncertain significance. Review status: criteria provided, multiple submitters, no conflicts (2 of 4 stars). 2 submissions from 2 submitters: Uncertain significance (2). Last evaluated 2022-09-07.

Conditions:
Specific granule deficiency. Identifiers: Orphanet 169142, MedGen C0398593, MONDO:0009506.
Inborn genetic diseases. Identifiers: MedGen C0950123, MeSH D030342.

Allele frequency attached by ClinVar (database versions not stated): TOPMed below 0.00001; gnomAD 0.00001; gnomAD exomes 0.00001.

Submissions (2):

Ambry Genetics
Classification: Uncertain significance for Inborn genetic diseases. Last evaluated: 2022-09-07. Review status: criteria provided, single submitter. Criteria: Ambry Variant Classification Scheme 2023. Collection method: clinical testing. Allele origin: germline.

Labcorp Genetics (formerly Invitae), Labcorp
Classification: Uncertain significance for Specific granule deficiency. Last evaluated: 2021-11-20. Review status: criteria provided, single submitter. Criteria: Invitae Variant Classification Sherloc (09022015). Collection method: clinical testing. Allele origin: germline.
Comment: Algorithms developed to predict the effect of missense changes on protein structure and function are either unavailable or do not agree on the potential impact of this missense change (SIFT: "Tolerated"; PolyPhen-2: "Probably Damaging"; Align-GVGD: "Class C0"). This variant has not been reported in the literature in individuals affected with CEBPE-related conditions. This variant is present in population databases (no rsID available, gnomAD 0.007%). This sequence change replaces glutamic acid, which is acidic and polar, with glutamine, which is neutral and polar, at codon 50 of the CEBPE protein (p.Glu50Gln). In summary, the available evidence is currently insufficient to determine the role of this variant in disease. Therefore, it has been classified as a Variant of Uncertain Significance.

NM_001805.4(CEBPE):c.148G>C (p.Glu50Gln)

Gene: CEBPE (CCAAT enhancer binding protein epsilon; minus strand). Cytogenetic location: 14q11.2.
Variant type: single nucleotide variant.
Coding change: c.148G>C on transcript NM_001805.4 (MANE Select); coding-DNA position 148, G replaced by C.
Protein change: p.Glu50Gln; replaces glutamic acid 50 with glutamine.
Molecular consequence: missense variant.
Genome position (GRCh38, 1-based): chr14:23,118,944, C>G on the plus strand (G>C on the coding strand, the complement: CEBPE is on the minus strand). VCF-style: chr14-23118944-C-G. GRCh37 (hg19) VCF-style: chr14-23588153-C-G.
Other names: c.148G>C (NM_001805.2); short protein forms E50Q.
Identifiers: ClinVar variation 1394291 (VCV001394291.7), dbSNP rs993358781, ClinGen allele CA257745422.